The following is an entry in ClinVar:

ClinVar aggregate classification (germline): Pathogenic/Likely pathogenic. Review status: criteria provided, multiple submitters, no conflicts (2 of 4 stars). 2 submissions from 2 submitters: Pathogenic (1); Likely pathogenic (1). Last evaluated 2022-05-01.

Conditions:
ARHGEF18-related disorder. Also called: ARHGEF18-related condition.

Submissions (2):

Labcorp Genetics (formerly Invitae), Labcorp
Classification: Pathogenic. Last evaluated: 2022-05-01. Review status: criteria provided, single submitter. Criteria: Invitae Variant Classification Sherloc (09022015). Collection method: clinical testing. Allele origin: germline.
Comment: For these reasons, this variant has been classified as Pathogenic. This variant has not been reported in the literature in individuals affected with ARHGEF18-related conditions. This variant is not present in population databases (gnomAD no frequency). This sequence change creates a premature translational stop signal (p.Ser768Argfs*45) in the ARHGEF18 gene. It is expected to result in an absent or disrupted protein product. Loss-of-function variants in ARHGEF18 are known to be pathogenic (PMID: 28132693).

Blueprint Genetics
Classification: Likely pathogenic for ARHGEF18-related disorders. Last evaluated: 2019-02-07. Review status: criteria provided, single submitter. Criteria: ACMG Guidelines, 2015. Collection method: clinical testing. Allele origin: germline. Affected: yes. Observed: 1 variant allele.

Literature cited by the submitters: PubMed 28132693 (cited by Labcorp Genetics (formerly Invitae), Labcorp).

NM_001367823.1(ARHGEF18):c.2868del (p.Ser956fs)

Gene: ARHGEF18 (Rho/Rac guanine nucleotide exchange factor 18; plus strand). Cytogenetic location: 19p13.2.
Variant type: Deletion.
Coding change: c.2868del on transcript NM_001367823.1 (MANE Select); coding-DNA position 2868, one base deleted (T; older notation c.2868delT).
Protein change: p.Ser956fs; shifts the reading frame from serine 956.
Molecular consequence: frameshift variant.
Genome position (GRCh38, 1-based): chr19:7,464,654, T deleted. VCF-style (leftmost placement, unchanged base first): chr19-7464653-GT-G. GRCh37 (hg19) VCF-style: chr19-7529539-GT-G.
Other names: c.2142del, p.Ser714fs (NM_001130955.2); c.1830del, p.Ser610fs (NM_001367824.1, NM_015318.4); short protein forms S956fs, S610fs, S714fs.
Identifiers: ClinVar variation 2132409 (VCV002132409.5), dbSNP rs2512328838, ClinGen allele CA2580097075.